The following is an entry in ClinVar:

NM_000352.6(ABCC8):c.3126_3127insAGGAACTG (p.Leu1043fs)

Gene: ABCC8 (ATP binding cassette subfamily C member 8; minus strand). Cytogenetic location: 11p15.1.
Variant type: Insertion.
Coding change: c.3126_3127insAGGAACTG on transcript NM_000352.6 (MANE Select); coding-DNA positions 3126 to 3127, AGGAACTG inserted.
Protein change: p.Leu1043fs; shifts the reading frame from leucine 1043.
Molecular consequence: frameshift variant. On other transcripts: non-coding transcript variant (1).
Genome position: GRCh38 VCF-style: chr11-17406923-G-GCAGTTCCT. GRCh37 (hg19) VCF-style: chr11-17428470-G-GCAGTTCCT.
Other names: NM_000352.6(ABCC8):c.3126_3127insAGGAACTG; p.Leu1043fs; c.3129_3130insAGGAACTG, p.Leu1044fs (NM_001287174.3); c.3192_3193insAGGAACTG, p.Leu1065fs (NM_001351295.2); c.3126_3127insAGGAACTG, p.Leu1043fs (NM_001351296.2); c.3123_3124insAGGAACTG, p.Leu1042fs (NM_001351297.2); short protein forms L1042fs, L1043fs, L1044fs, L1065fs.
Identifiers: ClinVar variation 2576206 (VCV002576206.1), dbSNP rs766033867, ClinGen allele CA5902914.

ClinVar aggregate classification (germline): Likely pathogenic (1 of 4 stars; one submission).

Conditions:
Hyperinsulinemic hypoglycemia, familial, 1 (HHF1). Also called: HYPERINSULINISM, FAMILIAL, WITH PANCREATIC NESIDIOBLASTOSIS; HYPOGLYCEMIA, HYPERINSULINEMIC, OF INFANCY; Persistent Hyperinsulinemia Hypoglycemia of Infancy; NESIDIOBLASTOSIS OF PANCREAS; Persistent hyperinsulinemic hypoglycemia of infancy. Identifiers: Orphanet 276575, Orphanet 276598, MedGen C2931832, MONDO:0009734, OMIM 256450.

Allele frequency attached by ClinVar (database versions not stated): gnomAD exomes below 0.00001 and 0.00001; gnomAD 0.00001; TOPMed 0.00001; ExAC 0.00002.

Submission:

Broad Center for Mendelian Genomics, Broad Institute of MIT and Harvard
Classification: Likely pathogenic for Hyperinsulinemic hypoglycemia, familial, 1. Last evaluated: 2023-08-16. Review status: criteria provided, single submitter. Criteria: ACMG Guidelines, 2015. Collection method: curation. Allele origin: germline. Inheritance: Autosomal recessive inheritance.
Comment: The p.Leu1043ArgfsTer4 variant in ABCC8 has not been previously reported in the literature in individuals with hyperinsulinemic hypoglycemia, but has been seen in 0.02% (2/19950) of East Asian chromosomes by the Genome Aggregation Database (gnomAD; dbSNP: rs766033867). Although this variant has been seen in the general population in a heterozygous state, its frequency is low enough to be consistent with a recessive carrier frequency. This variant has been reported in ClinVar (Variation ID: 1072738) and has been interpreted as pathogenic by Invitae. This variant is predicted to cause a frameshift, which alters the protein’s amino acid sequence beginning at position 1043 and leads to a premature termination codon 4 amino acids downstream. This alteration is then predicted to lead to a truncated or absent protein. Loss of function of the ABCC8 gene is an established disease mechanism in autosomal recessive hyperinsulinemic hypoglycemia. In summary, although additional studies are required to fully establish its clinical significance, this variant is likely pathogenic for autosomal recessive hyperinsulinemic hypoglycemia. ACMG/AMP Criteria applied: PVS1, PM2 (Richards 2015).